The following is an entry in ClinVar:

NM_080680.3(COL11A2):c.2459G>A (p.Gly820Asp)

Gene: COL11A2 (collagen type XI alpha 2 chain; minus strand). Cytogenetic location: 6p21.32.
Variant type: single nucleotide variant.
Coding change: c.2459G>A on transcript NM_080680.3 (MANE Select); coding-DNA position 2459, G replaced by A.
Protein change: p.Gly820Asp; replaces glycine 820 with aspartic acid.
Molecular consequence: missense variant.
Genome position (GRCh38, 1-based): chr6:33,174,190, C>T on the plus strand (G>A on the coding strand, the complement: COL11A2 is on the minus strand). VCF-style: chr6-33174190-C-T. GRCh37 (hg19) VCF-style: chr6-33141967-C-T.
Other names: c.2138G>A, p.Gly713Asp (NM_080679.3); c.2201G>A, p.Gly734Asp (NM_080681.3); short protein forms G713D, G734D, G820D.
Identifiers: ClinVar variation 2084083 (VCV002084083.4), dbSNP rs2534978709, ClinGen allele CA363643731.

ClinVar aggregate classification (germline): Uncertain significance (1 of 4 stars; one submission).

Submission:

Labcorp Genetics (formerly Invitae), Labcorp
Classification: Uncertain significance. Last evaluated: 2022-09-06. Review status: criteria provided, single submitter. Criteria: Invitae Variant Classification Sherloc (09022015). Collection method: clinical testing. Allele origin: germline.
Comment: In summary, the available evidence is currently insufficient to determine the role of this variant in disease. Therefore, it has been classified as a Variant of Uncertain Significance. Advanced modeling of protein sequence and biophysical properties (such as structural, functional, and spatial information, amino acid conservation, physicochemical variation, residue mobility, and thermodynamic stability) performed at Invitae indicates that this missense variant is expected to disrupt COL11A2 protein function. This variant has not been reported in the literature in individuals affected with COL11A2-related conditions. This variant is not present in population databases (gnomAD no frequency). This sequence change replaces glycine, which is neutral and non-polar, with aspartic acid, which is acidic and polar, at codon 820 of the COL11A2 protein (p.Gly820Asp).